The following is an entry in ClinVar:

ClinVar aggregate classification (germline): Uncertain significance. Review status: criteria provided, multiple submitters, no conflicts (2 of 4 stars). 2 submissions from 2 submitters: Uncertain significance (2). Last evaluated 2024-10-13.

Conditions:
Methylmalonic aciduria, cblB type (MACB). Also called: Methylmalonic acidemia cblB type; METHYLMALONIC ACIDURIA, VITAMIN B12-RESPONSIVE, DUE TO DEFECT IN SYNTHESIS OF ADENOSYLCOBALAMIN, cblB TYPE; Vitamin B12-responsive methylmalonic acidemia type cblB. Identifiers: Orphanet 28, Orphanet 79311, MedGen C1855102, MONDO:0009614, OMIM 251110.

Allele frequency attached by ClinVar (database versions not stated): gnomAD exomes below 0.00001; gnomAD 0.00001; TOPMed 0.00002.
gnomAD v4.1: 3 of 1,610,088 alleles (0.00019%); highest among the groups gnomAD compares: Non-Finnish European, 0.00026%; no homozygotes.

Submissions (2):

Labcorp Genetics (formerly Invitae), Labcorp
Classification: Uncertain significance for Methylmalonic aciduria, cblB type. Last evaluated: 2024-10-13. Review status: criteria provided, single submitter. Criteria: Invitae Variant Classification Sherloc (09022015). Collection method: clinical testing. Allele origin: germline.
Comment: This sequence change replaces aspartic acid, which is acidic and polar, with glutamic acid, which is acidic and polar, at codon 218 of the MMAB protein (p.Asp218Glu). This variant is present in population databases (no rsID available, gnomAD 0.01%). This missense change has been observed in individual(s) with clinical features of MMAB-related conditions (internal data). In at least one individual the data is consistent with being in trans (on the opposite chromosome) from a pathogenic variant. ClinVar contains an entry for this variant (Variation ID: 881084). Invitae Evidence Modeling of protein sequence and biophysical properties (such as structural, functional, and spatial information, amino acid conservation, physicochemical variation, residue mobility, and thermodynamic stability) indicates that this missense variant is expected to disrupt MMAB protein function with a positive predictive value of 80%. In summary, the available evidence is currently insufficient to determine the role of this variant in disease. Therefore, it has been classified as a Variant of Uncertain Significance.

Illumina Laboratory Services, Illumina
Classification: Uncertain significance for Methylmalonic aciduria, cblB type. Last evaluated: 2017-04-28. Review status: criteria provided, single submitter. Criteria: ICSL Variant Classification Criteria 13 December 2019. Collection method: clinical testing. Allele origin: germline.

NM_052845.4(MMAB):c.654C>G (p.Asp218Glu)

Gene: MMAB (metabolism of cobalamin associated B; minus strand). Cytogenetic location: 12q24.11.
Variant type: single nucleotide variant.
Coding change: c.654C>G on transcript NM_052845.4 (MANE Select); coding-DNA position 654, C replaced by G.
Protein change: p.Asp218Glu; replaces aspartic acid 218 with glutamic acid.
Molecular consequence: missense variant. On other transcripts: non-coding transcript variant (1).
Genome position (GRCh38, 1-based): chr12:109,557,127, G>C on the plus strand (C>G on the coding strand, the complement: MMAB is on the minus strand). VCF-style: chr12-109557127-G-C. GRCh37 (hg19) VCF-style: chr12-109994932-G-C.
Other names: short protein forms D218E.
Identifiers: ClinVar variation 881084 (VCV000881084.5), dbSNP rs940651669, ClinGen allele CA243447483.